The following is an entry in ClinVar:

NM_001378477.3(NYX):c.770G>A (p.Gly257Asp)

Gene: NYX (nyctalopin; plus strand). Cytogenetic location: Xp11.4.
Variant type: single nucleotide variant.
Coding change: c.770G>A on transcript NM_001378477.3 (MANE Select); coding-DNA position 770, G replaced by A.
Protein change: p.Gly257Asp; replaces glycine 257 with aspartic acid.
Molecular consequence: missense variant.
Genome position (GRCh38, 1-based): chrX:41,474,238, G>A. VCF-style: chrX-41474238-G-A. GRCh37 (hg19) VCF-style: chrX-41333491-G-A.
Other names: c.770G>A, p.Gly257Asp (NM_022567.3); short protein forms G257D.
Identifiers: ClinVar variation 1718308 (VCV001718308.5), dbSNP rs2519608097, ClinGen allele CA412991220.
Genomic context (GRCh38, chrX:41,474,238, plus strand): 5'-TGGCCGAGCTCCCGGCCGACGCCTTCCGCGGCCTGCGGCGCCTGCGCACGCTCAACCTGG[G>A]TGGCAACGCGCTGGACCGCGTGGCGCGCGCCTGGTTCGCTGACCTGGCCGAGCTCGAGCT-3'
Protein context (NP_001365406.2, residues 247-267): GLRRLRTLNL[Gly257Asp]GNALDRVARA

ClinVar aggregate classification (germline): Uncertain significance (1 of 4 stars; one submission).

Submission:

Labcorp Genetics (formerly Invitae), Labcorp
Classification: Uncertain significance. Last evaluated: 2022-08-30. Review status: criteria provided, single submitter. Criteria: Invitae Variant Classification Sherloc (09022015). Collection method: clinical testing. Allele origin: germline.
Comment: Algorithms developed to predict the effect of missense changes on protein structure and function (SIFT, PolyPhen-2, Align-GVGD) all suggest that this variant is likely to be disruptive. In summary, the available evidence is currently insufficient to determine the role of this variant in disease. Therefore, it has been classified as a Variant of Uncertain Significance. This variant has not been reported in the literature in individuals affected with NYX-related conditions. This variant is not present in population databases (gnomAD no frequency). This sequence change replaces glycine, which is neutral and non-polar, with aspartic acid, which is acidic and polar, at codon 262 of the NYX protein (p.Gly262Asp).